The following is an entry in ClinVar:

ClinVar aggregate classification (germline): Likely benign (1 of 4 stars; one submission).

gnomAD v4.1: 1 of 1,614,196 alleles (0.000062%); highest among the groups gnomAD compares: Non-Finnish European, 0.000085%; no homozygotes.

Submission:

CeGaT Center for Human Genetics Tuebingen
Classification: Likely benign. Last evaluated: 2026-01-01. Review status: criteria provided, single submitter. Criteria: CeGaT Center For Human Genetics Tuebingen Variant Classification Criteria Version 2. Collection method: clinical testing. Allele origin: germline. Affected: yes. Observed: 1 variant allele.
Comment: FLNB: BP4, BP7

NM_001457.4(FLNB):c.5364T>C (p.Tyr1788=)

Gene: FLNB (filamin B; plus strand). Cytogenetic location: 3p14.3.
Variant type: single nucleotide variant.
Coding change: c.5364T>C on transcript NM_001457.4 (MANE Select); coding-DNA position 5364, T replaced by C.
Protein change: p.Tyr1788=; no amino-acid change (tyrosine 1788 retained).
Molecular consequence: synonymous variant.
Genome position (GRCh38, 1-based): chr3:58,143,552, T>C. VCF-style: chr3-58143552-T-C. GRCh37 (hg19) VCF-style: chr3-58129279-T-C.
Other names: c.5457T>C, p.Tyr1819= (NM_001164317.2); c.5331T>C, p.Tyr1777= (NM_001164318.2); c.5292T>C, p.Tyr1764= (NM_001164319.2).
Identifiers: ClinVar variation 4821063 (VCV004821063.4).